The following is an entry in ClinVar:

NM_000455.5(STK11):c.761C>G (p.Pro254Arg)

Gene: STK11 (serine/threonine kinase 11; plus strand). Cytogenetic location: 19p13.3.
Variant type: single nucleotide variant.
Coding change: c.761C>G on transcript NM_000455.5 (MANE Select); coding-DNA position 761, C replaced by G.
Protein change: p.Pro254Arg; replaces proline 254 with arginine.
Molecular consequence: missense variant.
Genome position (GRCh38, 1-based): chr19:1,221,239, C>G. VCF-style: chr19-1221239-C-G. GRCh37 (hg19) VCF-style: chr19-1221238-C-G.
Other names: short protein forms P254R.
Identifiers: ClinVar variation 527823 (VCV000527823.15), dbSNP rs1555738621, ClinGen allele CA402950401.

ClinVar aggregate classification (germline): Uncertain significance. Review status: criteria provided, multiple submitters, no conflicts (2 of 4 stars). 4 submissions from 4 submitters: Uncertain significance (4). Last evaluated 2024-03-07.

Conditions:
Hereditary cancer-predisposing syndrome. Also called: Neoplastic Syndromes, Hereditary; Tumor predisposition; Hereditary neoplastic syndrome; Hereditary Cancer Syndrome. Identifiers: Orphanet 140162, MedGen C0027672, MeSH D009386, MONDO:0015356.
Peutz-Jeghers syndrome (PJS). Also called: POLYPOSIS, HAMARTOMATOUS INTESTINAL; POLYPS-AND-SPOTS SYNDROME; Peutz-Jeghers polyposis; Periorificial lentiginosis syndrome. Identifiers: Orphanet 2869, MedGen C0031269, MeSH D010580, MONDO:0008280, OMIM 175200.

Submissions (4):

Color Diagnostics, LLC DBA Color Health
Classification: Uncertain significance for Hereditary cancer-predisposing syndrome. Last evaluated: 2024-03-07. Review status: criteria provided, single submitter. Criteria: ACMG Guidelines, 2015. Collection method: clinical testing. Allele origin: germline.
Comment: This missense variant replaces proline with arginine at codon 254 of the STK11 protein. Computational prediction suggests that this variant may have deleterious impact on protein structure and function (internally defined REVEL score threshold >= 0.7, PMID: 27666373). To our knowledge, functional studies have not been reported for this variant. This variant has not been reported in individuals affected with STK11-related disorders in the literature. This variant has not been identified in the general population by the Genome Aggregation Database (gnomAD). The available evidence is insufficient to determine the role of this variant in disease conclusively. Therefore, this variant is classified as a Variant of Uncertain Significance.

All of Us Research Program, National Institutes of Health
Classification: Uncertain significance for Peutz-Jeghers syndrome. Last evaluated: 2023-02-24. Review status: criteria provided, single submitter. Criteria: ACMG Guidelines, 2015. Collection method: clinical testing. Allele origin: germline. Inheritance: Autosomal dominant inheritance. Observed: 1 variant allele, 1 heterozygote.
Comment: This missense variant replaces proline with arginine at codon 254 of the STK11 protein. Computational prediction suggests that this variant may have deleterious impact on protein structure and function (internally defined REVEL score threshold >= 0.7, PMID: 27666373). To our knowledge, functional studies have not been reported for this variant. This variant has not been reported in individuals affected with STK11-related disorders in the literature. This variant has not been identified in the general population by the Genome Aggregation Database (gnomAD). The available evidence is insufficient to determine the role of this variant in disease conclusively. Therefore, this variant is classified as a Variant of Uncertain Significance.

This study involves interpretation of variants in research participants for the purpose of population health screening. Participant phenotype was not available at the time of variant classification. Additional details can be found in publication PMID: 35346344, PMCID: PMC8962531

Genome-Nilou Lab
Classification: Uncertain significance for Peutz-Jeghers syndrome. Last evaluated: 2021-07-15. Review status: criteria provided, single submitter. Criteria: ACMG Guidelines, 2015. Collection method: clinical testing. Allele origin: germline. Affected: no.

Labcorp Genetics (formerly Invitae), Labcorp
Classification: Uncertain significance for Peutz-Jeghers syndrome. Last evaluated: 2017-12-18. Review status: criteria provided, single submitter. Criteria: Invitae Variant Classification Sherloc (09022015). Collection method: clinical testing. Allele origin: germline.
Comment: This sequence change replaces proline with arginine at codon 254 of the STK11 protein (p.Pro254Arg). The proline residue is highly conserved and there is a moderate physicochemical difference between proline and arginine. This variant is not present in population databases (ExAC no frequency). This variant has not been reported in the literature in individuals with STK11-related disease. Algorithms developed to predict the effect of missense changes on protein structure and function (SIFT, PolyPhen-2, Align-GVGD) all suggest that this variant is likely to be disruptive, but these predictions have not been confirmed by published functional studies and their clinical significance is uncertain. In summary, the available evidence is currently insufficient to determine the role of this variant in disease. Therefore, it has been classified as a Variant of Uncertain Significance.